The following is an entry in ClinVar:

NM_006767.4(LZTR1):c.370GTC[1] (p.Val125del)

Gene: LZTR1 (leucine zipper like post translational regulator 1; plus strand). Cytogenetic location: 22q11.21.
Variant type: Microsatellite.
Coding change: c.370GTC[1] on transcript NM_006767.4 (MANE Select); one copy of the 3-base unit GTC starting at c.370; the reference has two copies in a row; one copy, 3 bases deleted; also written c.373_375del.
Protein change: p.Val125del; deletes valine 125.
Molecular consequence: inframe deletion.
Genome position (GRCh38, 1-based): chr22:20,987,556-20,987,558, GTC deleted; deleting any 3 consecutive bases within chr22:20,987,552-20,987,558 gives the same sequence; the position shown is the placement nearest the transcript's 3' end. VCF-style (leftmost placement, unchanged base first): chr22-20987551-CCGT-C. GRCh37 (hg19) VCF-style: chr22-21341840-CCGT-C.
Other names: c.373_375delGTC (NM_006767.3, NM_006767.4); c.373_375del (NM_006767.4); short protein forms V125del.
Identifiers: ClinVar variation 809328 (VCV000809328.56), dbSNP rs755783378, ClinGen allele CA10118391.

ClinVar aggregate classification (germline): Conflicting classifications of pathogenicity. Review status: criteria provided, conflicting classifications (1 of 4 stars). 6 submissions from 6 submitters: Pathogenic (1); Likely pathogenic (3); Uncertain significance (2). Last evaluated 2025-12-08.

Conditions:
Hereditary cancer-predisposing syndrome. Also called: Tumor predisposition; Hereditary neoplastic syndrome; Neoplastic Syndromes, Hereditary; Hereditary Cancer Syndrome. Identifiers: Orphanet 140162, MedGen C0027672, MeSH D009386, MONDO:0015356.
Cardiovascular phenotype. Identifiers: MedGen CN230736.
Schwannomatosis. Identifiers: Orphanet 93921, MedGen C1335929, MeSH C536641, MONDO:0008075.
LZTR1-related schwannomatosis. Also called: Schwannomatosis 2; Schwannomatosis-2, susceptibility to. Identifiers: Orphanet 93921, MedGen C3810283, MONDO:0014299, OMIM 615670.

Submissions (6):

Labcorp Genetics (formerly Invitae), Labcorp
Classification: Pathogenic. Last evaluated: 2025-12-08. Review status: criteria provided, single submitter. Criteria: Invitae Variant Classification Sherloc (09022015). Collection method: clinical testing. Allele origin: germline.
Comment: This variant, c.373_375del, results in the deletion of 1 amino acid(s) of the LZTR1 protein (p.Val125del), but otherwise preserves the integrity of the reading frame. This variant is present in population databases (rs755783378, gnomAD 0.007%). This variant has been observed in individual(s) with clinical features of schwannomatosis (PMID: 25335493; internal data). In at least one individual the variant was observed to be de novo. ClinVar contains an entry for this variant (Variation ID: 809328). Experimental studies and prediction algorithms are not available or were not evaluated, and the functional significance of this variant is currently unknown. For these reasons, this variant has been classified as Pathogenic.

GeneDx
Classification: Likely pathogenic. Last evaluated: 2025-10-17. Review status: criteria provided, single submitter. Criteria: GeneDx Variant Classification Process June 2021. Collection method: clinical testing. Allele origin: germline. Affected: yes.
Comment: In-frame deletion of 1 amino acid in a non-repeat region; Not observed at significant frequency in large population cohorts (gnomAD); In silico analysis supports a deleterious effect on protein structure/function; This variant is associated with the following publications: (PMID: 25335493, 30368668, 27921248, 30481304, 39140257, 39062695)

Ambry Genetics
Classification: Uncertain significance for Cardiovascular phenotype; Hereditary cancer-predisposing syndrome. Last evaluated: 2025-06-04. Review status: criteria provided, single submitter. Criteria: Ambry Variant Classification Scheme 2023. Collection method: clinical testing. Allele origin: germline.
Comment: The c.373_375delGTC variant (also known as p.V125del) is located in coding exon 4 of the LZTR1 gene. This variant results from an in-frame GTC deletion at nucleotide positions 373 to 375. This results in the in-frame deletion of a valine at codon 125. This variant was reported in individual(s) with features consistent with LZTR1-related schwannomatosis / Noonan syndrome (Paganini I et al. Eur J Hum Genet, 2015 Jul;23:963-8; personal communication). Based on internal analysis, the p.V125del variant is predicted to be structurally deleterious. This amino acid position is highly conserved in available vertebrate species. In addition, this alteration is predicted to be deleterious by in silico analysis (Choi Y et al. PLoS ONE. 2012; 7(10):e46688). Based on the available evidence, the clinical significance of this variant remains unclear.

Women's Health and Genetics/Laboratory Corporation of America, LabCorp
Classification: Likely pathogenic for Schwannomatosis. Last evaluated: 2024-12-13. Review status: criteria provided, single submitter. Criteria: LabCorp Variant Classification Summary - May 2015. Collection method: clinical testing. Allele origin: germline.
Comment: Variant summary: LZTR1 c.373_375delGTC (p.Val125del) results in an in-frame deletion that is predicted to remove one amino acid from the Kelch-repeats domain of the encoded protein. The variant allele was found at a frequency of 1.2e-05 in 1614024 control chromosomes. This frequency is not significantly higher than estimated for a pathogenic variant in LZTR1 causing Schwannomatosis, allowing no conclusion about variant significance. c.373_375delGTC has been reported in the literature in individuals affected with Schwannomatosis/isolated multiple cafe-au-lait macules (example, Paganini_2015, Uliana_2024 citing the earlier report, Mastromoro_2024 citing the earlier report and two additional case counts, Internal testing). Although de-novo occurrences have been reported in the literature (example Paganini_2024) and at our lab, the presence of this variant in control databases poses a confounding evidence. Therefore, De-novo causation is not weighted in the context of this evaluation. These data indicate that the variant is likely to be associated with disease. At least one publication reports experimental evidence evaluating an impact on protein function. The most pronounced variant effect results in alteration of LZTR1 stability at levels similar to another recessive NS-causing mutant p.Glu563Gln. The following publications have been ascertained in the context of this evaluation (PMID: 27921248, 39140257, 30481304, 25335493, 39062695, 30368668). ClinVar contains an entry for this variant (Variation ID: 809328). To our knowledge, this variant has not been reported in individuals with AR Noonan Syndrome 2. Based on the evidence outlined above, this variant is likely pathogenic for AD Schwannomatosis.

Baylor Genetics
Classification: Uncertain significance for LZTR1-related schwannomatosis. Last evaluated: 2023-11-22. Review status: criteria provided, single submitter. Criteria: ACMG Guidelines, 2015. Collection method: clinical testing. Allele origin: unknown.

CeGaT Center for Human Genetics Tuebingen
Classification: Likely pathogenic. Last evaluated: 2019-02-01. Review status: criteria provided, single submitter. Criteria: CeGaT Center For Human Genetics Tuebingen Variant Classification Criteria Version 2. Collection method: clinical testing. Allele origin: germline. Affected: yes. Observed: 1 variant allele.

Literature cited by the submitters: PubMed 25335493 (cited by 3 submitters); PubMed 27921248 (cited by Women's Health and Genetics/Laboratory Corporation of America, LabCorp); PubMed 30481304 (cited by Women's Health and Genetics/Laboratory Corporation of America, LabCorp); PubMed 30368668 (cited by Women's Health and Genetics/Laboratory Corporation of America, LabCorp); PubMed 39062695 (cited by Women's Health and Genetics/Laboratory Corporation of America, LabCorp); PubMed 39140257 (cited by Women's Health and Genetics/Laboratory Corporation of America, LabCorp).